The following is an entry in ClinVar:

NM_000062.3(SERPING1):c.890-1G>A

Gene: SERPING1 (serpin family G member 1; plus strand). Cytogenetic location: 11q12.1.
Variant type: single nucleotide variant.
Coding change: c.890-1G>A on transcript NM_000062.3 (MANE Select); the canonical splice acceptor site of the intron before coding-DNA position 890, G replaced by A.
Molecular consequence: splice acceptor variant.
Genome position (GRCh38, 1-based): chr11:57,606,407, G>A. VCF-style: chr11-57606407-G-A. GRCh37 (hg19) VCF-style: chr11-57373880-G-A.
Other names: c.890-1G>A (NM_001032295.2).
Identifiers: ClinVar variation 3391803 (VCV003391803.2).

ClinVar aggregate classification (germline): Pathogenic (0 of 4 stars; one submission).

Conditions:
Hereditary angioedema type 1 (HAE1). Identifiers: Orphanet 100050, Orphanet 100051, Orphanet 91378, MedGen C2717906, MONDO:0015053, OMIM 106100.

Submission:

Pediatric Infectious Diseases and Immunodeficiencies Unit (UPIIP)- HUVH-VHIR, Vall d'Hebron University Hospital
Classification: Pathogenic for Hereditary angioedema type 1. Review status: no assertion criteria provided. Collection method: clinical testing. Allele origin: maternal, not applicable. Affected: yes. Observed: 1 heterozygote.
Comment: This variant is absent from large population studies and, according to the in silico predictor SpliceAI, is likely to disrupt the acceptor splice site of intron 5. We performed cDNA sequencing and demonstrated that this genetic variant produces two distinct aberrant splicing events: exon 6 skipping and partial intron 5 retention. Based on the available evidence, we classified this variant as pathogenic and considered it causative of the patient’s type 1 HAE-C1-INH.